The following continues an entry in ClinVar:

NM_001005242.3(PKP2):c.2014-1G>C

Gene: PKP2. ClinVar aggregate classification (germline): Pathogenic. Pathogenic (33).

Submissions 25 to 40 of 40:

Institute of Human Genetics, University of Leipzig Medical Center
Classification: Pathogenic for Arrhythmogenic right ventricular dysplasia 9. Last evaluated: 2019-01-01. Review status: criteria provided, single submitter. Criteria: ACMG Guidelines, 2015. Collection method: clinical testing. Allele origin: unknown. Affected: no.

HudsonAlpha Institute for Biotechnology
Classification: Pathogenic for Arrhythmogenic right ventricular dysplasia 9. Last evaluated: 2018-09-21. Review status: criteria provided, single submitter. Criteria: ACMG Guidelines, 2015. Collection method: research. Allele origin: unknown. Observed: 1 variant allele. Study: AGHI_GT.

Human Genome Sequencing Center Clinical Lab, Baylor College of Medicine
Classification: Pathogenic for Arrhythmogenic right ventricular dysplasia 9. Last evaluated: 2017-06-02. Review status: criteria provided, single submitter. Criteria: ACMG Guidelines, 2015. Collection method: clinical testing. Allele origin: germline.
Comment: This c.2146-1G>C variant has been reported in over 10 individuals with ARVD/cardiomyopathy with incomplete family segregation [PMID 15489853,17010805, 20525856, 24784157, 25087486]. This variant is located in the invariant splice acceptor site of intron 11. Functional assays showed that this change activates a cryptic splice acceptor site in intron 12 or, alternatively, another cryptic splice acceptor site in PKP2 exon 13 [PMID 15489853]. A variant affecting the same invariant splice site has also been reported in additional patients [PMID 19955750]. This variant has been detected in 6 heterozygous individuals from Europe. It is thus classified as a pathogenic variant.

Clinical Genetics DNA and cytogenetics Diagnostics Lab, Erasmus MC, Erasmus Medical Center
Classification: Pathogenic for Arrhythmogenic right ventricular dysplasia 9. Last evaluated: 2017-05-31. Review status: criteria provided, single submitter. Criteria: ACGS Guidelines, 2013. Collection method: clinical testing. Allele origin: germline. Affected: yes. Study: VKGL Data-share Consensus.

Agnes Ginges Centre for Molecular Cardiology, Centenary Institute
Classification: Pathogenic for Arrhythmogenic right ventricular dysplasia 9. Last evaluated: 2017-03-08. Review status: criteria provided, single submitter. Criteria: ACMG Guidelines, 2015. Collection method: research. Allele origin: germline. Affected: yes.
Comment: The PKP2 c.2146-1G>C variant has been reported in multiple ARVC probands (see literature), and has been found to segregate with disease in a few families (Dalal D et al., 2006; Groeneweg JA, et al., 2014; Svensson et al., 2016). The variant affects a canonical splice acceptor site of intron 10 and was found to result in exon 11 skipping and consequently a shift in the reading frame (Groeneweg JA, et al., 2014). The variant is present at a low frequency in the Exome Aggregation Consortium dataset (MAF= 0.00005). We identified this variant in 3 male ARVC probands. 2/3 probands have no family history of disease. In summary, based on LOF variants in PKP2 being an established mechanism of ARVC, multiple ARVC probands reported with the variant, cosegregation with disease and rarity in the general population, we classify PKP2 c.2146-1G>C as a "pathogenic" variant.

Genome Diagnostics Laboratory, University Medical Center Utrecht
Classification: Pathogenic for Arrhythmogenic right ventricular dysplasia 9. Last evaluated: 2014-10-08. Review status: criteria provided, single submitter. Criteria: ACGS Guidelines, 2013. Collection method: clinical testing. Allele origin: germline. Affected: yes. Study: VKGL Data-share Consensus.

Stanford Center for Inherited Cardiovascular Disease, Stanford University
Classification: Pathogenic. Last evaluated: 2014-06-20. Review status: criteria provided, single submitter. Criteria: ACMG Guidelines, 2015. Collection method: provider interpretation. Allele origin: germline.

Clinical Genetics Service, Universitary Hospital 12 de Octubre
Classification: Pathogenic for Arrhythmogenic right ventricular dysplasia 9. Review status: criteria provided, single submitter. Criteria: ACMG Guidelines, 2015. Collection method: clinical testing. Allele origin: germline. Affected: yes.

Genomics England Pilot Project, Genomics England
Classification: Pathogenic for Arrhythmogenic right ventricular dysplasia 9. Review status: criteria provided, single submitter. Criteria: ACGS Guidelines, 2016. Collection method: clinical testing. Allele origin: germline. Affected: yes.

Zotz-Klimas Genetics Lab, MVZ Zotz Klimas
Classification: Pathogenic for Arrhythmogenic right ventricular dysplasia 9. Last evaluated: 2023-11-24. Review status: no assertion criteria provided. Collection method: clinical testing. Allele origin: germline. Affected: yes. Not counted in ClinVar's aggregate classification.

Institut für Laboratoriums- und Transfusionsmedizin, Herz- und Diabeteszentrum Nordrhein-Westfalen
Classification: Pathogenic for Arrhythmogenic right ventricular dysplasia 9. Last evaluated: 2016-05-01. Review status: no assertion criteria provided. Collection method: clinical testing. Allele origin: germline. Affected: yes. Observed: 2 variant alleles. Not counted in ClinVar's aggregate classification.

CSER _CC_NCGL, University of Washington
Classification: Likely pathogenic for Arrhythmogenic right ventricular dysplasia. Last evaluated: 2014-06-01. Review status: no assertion criteria provided. Collection method: research. Allele origin: germline. Inheritance: Autosomal dominant inheritance. Study: ESP 6500 variant annotation. Not counted in ClinVar's aggregate classification.
Comment: Variants classified for the Actionable exomic incidental findings in 6503 participants: challenges of variant classification manuscript

OMIM
Classification: Pathogenic for ARRHYTHMOGENIC RIGHT VENTRICULAR DYSPLASIA, FAMILIAL, 9. Last evaluated: 2004-11-01. Review status: no assertion criteria provided. Collection method: literature only. Allele origin: germline. Not counted in ClinVar's aggregate classification.

Diagnostic Laboratory, Department of Genetics, University Medical Center Groningen
Classification: Pathogenic for Arrhythmogenic right ventricular dysplasia 9. Review status: no assertion criteria provided. Collection method: clinical testing. Allele origin: germline. Affected: yes. Study: VKGL Data-share Consensus. Not counted in ClinVar's aggregate classification.

Joint Genome Diagnostic Labs from Nijmegen and Maastricht, Radboudumc and MUMC+
Classification: Pathogenic. Review status: no assertion criteria provided. Collection method: clinical testing. Allele origin: germline. Affected: yes. Study: VKGL Data-share Consensus. Not counted in ClinVar's aggregate classification.

HudsonAlpha Institute for Biotechnology
Classification: Pathogenic for Arrhythmogenic right ventricular dysplasia 9. Last evaluated: 2017-11-09. Review status: flagged submission. Criteria: HA_assertions_20161101. Collection method: research. Allele origin: unknown. Observed: 1 variant allele. Study: CSER-HudsonAlpha. Not counted in ClinVar's aggregate classification.
ClinVar note: Reason: This record appears to be redundant with a more recent record from the same submitter.
ClinVar note: Notes: SCV000677114 appears to be redundant with SCV000993586.

Literature cited by the submitters: PubMed 23183494 (cited by Victorian Clinical Genetics Services, Murdoch Childrens Research Institute); PubMed 17010805 (cited by 9 submitters); PubMed 27335691 (cited by 8 submitters); PubMed 35059364 (cited by Victorian Clinical Genetics Services, Murdoch Childrens Research Institute); PubMed 25087486 (cited by 10 submitters); PubMed 38050058 (cited by Victorian Clinical Genetics Services, Murdoch Childrens Research Institute); PubMed 30562116 (cited by Victorian Clinical Genetics Services, Murdoch Childrens Research Institute); PubMed 15489853 (cited by 10 submitters); PubMed 24784157 (cited by Labcorp Genetics (formerly Invitae), Labcorp and Color Diagnostics, LLC DBA Color Health); PubMed 16415378 (cited by 5 submitters); PubMed 19880068 (cited by 4 submitters); PubMed 20400443 (cited by 6 submitters); PubMed 21606396 (cited by 3 submitters); PubMed 27532257 (cited by 3 submitters); PubMed 28177452 (cited by Ambry Genetics); PubMed 28253841 (cited by Ambry Genetics and Laboratory for Molecular Medicine, Mass General Brigham Personalized Medicine); PubMed 28518168 (cited by Ambry Genetics); PubMed 29997227 (cited by Ambry Genetics); PubMed 30677492 (cited by Ambry Genetics); PubMed 16549640 (cited by 3 submitters); PubMed 18554203 (cited by 3 submitters); PubMed 19279339 (cited by 4 submitters); PubMed 19358943 (cited by All of Us Research Program, National Institutes of Health and Agnes Ginges Centre for Molecular Cardiology, Centenary Institute); PubMed 19863551 (cited by 3 submitters); PubMed 20031617 (cited by 4 submitters); PubMed 23810883 (cited by 3 submitters); PubMed 23911551 (cited by All of Us Research Program, National Institutes of Health); PubMed 33238575 (cited by North West Genomic Laboratory Hub, Manchester University NHS Foundation Trust); PubMed 21636032 (cited by North West Genomic Laboratory Hub, Manchester University NHS Foundation Trust and Agnes Ginges Centre for Molecular Cardiology, Centenary Institute); PubMed 20857253 (cited by Color Diagnostics, LLC DBA Color Health and Agnes Ginges Centre for Molecular Cardiology, Centenary Institute); PubMed 23178689 (cited by Color Diagnostics, LLC DBA Color Health); PubMed 28523642 (cited by Color Diagnostics, LLC DBA Color Health); PubMed 35579515 (cited by Color Diagnostics, LLC DBA Color Health); PubMed 35653365 (cited by Color Diagnostics, LLC DBA Color Health); PubMed 37418234 (cited by Color Diagnostics, LLC DBA Color Health); PubMed 35535697 (cited by Laan Lab, Human Genetics Research Group, University of Tartu); PubMed 20525856 (cited by Laboratory for Molecular Medicine, Mass General Brigham Personalized Medicine and Agnes Ginges Centre for Molecular Cardiology, Centenary Institute); PubMed 25525159 (cited by Laboratory for Molecular Medicine, Mass General Brigham Personalized Medicine); PubMed 24585727 (cited by Laboratory for Molecular Medicine, Mass General Brigham Personalized Medicine and Agnes Ginges Centre for Molecular Cardiology, Centenary Institute); PubMed 23812740 (cited by Laboratory for Molecular Medicine, Mass General Brigham Personalized Medicine and Agnes Ginges Centre for Molecular Cardiology, Centenary Institute); PubMed 26264440 (cited by Laboratory for Molecular Medicine, Mass General Brigham Personalized Medicine); PubMed 26676851 (cited by Laboratory for Molecular Medicine, Mass General Brigham Personalized Medicine and Agnes Ginges Centre for Molecular Cardiology, Centenary Institute); PubMed 21606390 (cited by Agnes Ginges Centre for Molecular Cardiology, Centenary Institute); PubMed 20864495 (cited by Agnes Ginges Centre for Molecular Cardiology, Centenary Institute); PubMed 20152563 (cited by Agnes Ginges Centre for Molecular Cardiology, Centenary Institute); PubMed 19955750 (cited by Agnes Ginges Centre for Molecular Cardiology, Centenary Institute).